The following is an entry in ClinVar:

ClinVar aggregate classification (germline): Uncertain significance. Review status: criteria provided, multiple submitters, no conflicts (2 of 4 stars). 2 submissions from 2 submitters: Uncertain significance (2). Last evaluated 2023-07-17.

Conditions:
Familial cancer of breast. Also called: BREAST CANCER, FAMILIAL; Hereditary breast cancer; hereditary breast carcinoma. Identifiers: Orphanet 227535, MedGen C0346153, MONDO:0016419, OMIM 114480. Disease mechanism: loss of function.
Hereditary cancer-predisposing syndrome. Also called: Neoplastic Syndromes, Hereditary; Tumor predisposition; Hereditary Cancer Syndrome; Hereditary neoplastic syndrome. Identifiers: Orphanet 140162, MedGen C0027672, MeSH D009386, MONDO:0015356.

Submissions (2):

Labcorp Genetics (formerly Invitae), Labcorp
Classification: Uncertain significance for Familial cancer of breast. Last evaluated: 2023-07-17. Review status: criteria provided, single submitter. Criteria: Invitae Variant Classification Sherloc (09022015). Collection method: clinical testing. Allele origin: germline.
Comment: This variant is not present in population databases (gnomAD no frequency). This sequence change replaces glycine, which is neutral and non-polar, with valine, which is neutral and non-polar, at codon 386 of the CHEK2 protein (p.Gly386Val). In summary, the available evidence is currently insufficient to determine the role of this variant in disease. Therefore, it has been classified as a Variant of Uncertain Significance. An algorithm developed to predict the effect of missense changes on protein structure and function (PolyPhen-2) suggests that this variant is likely to be disruptive. ClinVar contains an entry for this variant (Variation ID: 919472). This variant has not been reported in the literature in individuals affected with CHEK2-related conditions.

Color Diagnostics, LLC DBA Color Health
Classification: Uncertain significance for Hereditary cancer-predisposing syndrome. Last evaluated: 2018-11-05. Review status: criteria provided, single submitter. Criteria: ACMG Guidelines, 2015. Collection method: clinical testing. Allele origin: germline.

NM_007194.4(CHEK2):c.1157G>T (p.Gly386Val)

Gene: CHEK2 (checkpoint kinase 2; minus strand). Cytogenetic location: 22q12.1.
Variant type: single nucleotide variant.
Coding change: c.1157G>T on transcript NM_007194.4 (MANE Select); coding-DNA position 1157, G replaced by T.
Protein change: p.Gly386Val; replaces glycine 386 with valine.
Molecular consequence: missense variant.
Genome position (GRCh38, 1-based): chr22:28,695,812, C>A on the plus strand (G>T on the coding strand, the complement: CHEK2 is on the minus strand). VCF-style: chr22-28695812-C-A. GRCh37 (hg19) VCF-style: chr22-29091800-C-A.
Other names: c.1286G>T, p.Gly429Val (NM_001005735.3); c.494G>T, p.Gly165Val (NM_001257387.3); c.956G>T, p.Gly319Val (NM_001349956.3); c.1070G>T, p.Gly357Val (NM_145862.3); short protein forms G319V, G429V, G165V, G357V, G386V.
Identifiers: ClinVar variation 919472 (VCV000919472.12), dbSNP rs1555913820, ClinGen allele CA411096872.